The following is an entry in ClinVar:

NM_002256.4(KISS1):c.225dup (p.Glu76fs)

Gene: KISS1 (KiSS-1 metastasis suppressor; minus strand). Cytogenetic location: 1q32.1.
Variant type: Duplication.
Coding change: c.225dup on transcript NM_002256.4 (MANE Select); coding-DNA position 225, one base duplicated (C; older notation c.225dupC).
Protein change: p.Glu76fs; shifts the reading frame from glutamic acid 76.
Molecular consequence: frameshift variant.
Genome position (GRCh38, 1-based): chr1:204,190,676, G duplicated on the plus strand (C on the coding strand, the reverse complement: KISS1 is on the minus strand); the first of 6 consecutive G bases (chr1:204,190,676-204,190,681); duplicating any one gives the same sequence. VCF-style (leftmost placement, unchanged base first): chr1-204190675-C-CG. GRCh37 (hg19) VCF-style: chr1-204159803-C-CG.
Other names: short protein forms E76fs.
Identifiers: ClinVar variation 3614245 (VCV003614245.2).

ClinVar aggregate classification (germline): Uncertain significance (1 of 4 stars; one submission).

Submission:

Labcorp Genetics (formerly Invitae), Labcorp
Classification: Uncertain significance. Last evaluated: 2024-03-03. Review status: criteria provided, single submitter. Criteria: Invitae Variant Classification Sherloc (09022015). Collection method: clinical testing. Allele origin: germline.
Comment: This sequence change results in a frameshift in the KISS1 gene (p.Glu76Argfs*91). While this is not anticipated to result in nonsense mediated decay, it is expected to disrupt the last 63 amino acid(s) of the KISS1 protein and extend the protein by 27 additional amino acid residues. The frequency data for this variant in the population databases is considered unreliable, as metrics indicate poor data quality at this position in the gnomAD database. This variant has not been reported in the literature in individuals affected with KISS1-related conditions. Experimental studies and prediction algorithms are not available or were not evaluated, and the functional significance of this variant is currently unknown. In summary, the available evidence is currently insufficient to determine the role of this variant in disease. Therefore, it has been classified as a Variant of Uncertain Significance.